The following is an entry in ClinVar:

NM_000038.6(APC):c.3893del (p.Ser1298fs)

Gene: APC (APC regulator of Wnt signaling pathway; plus strand). Cytogenetic location: 5q22.2.
Variant type: Deletion.
Coding change: c.3893del on transcript NM_000038.6 (MANE Select); coding-DNA position 3893, one base deleted (C; older notation c.3893delC).
Protein change: p.Ser1298fs; shifts the reading frame from serine 1298.
Molecular consequence: frameshift variant. On other transcripts: non-coding transcript variant (2).
Genome position (GRCh38, 1-based): chr5:112,839,487, C deleted. VCF-style (leftmost placement, unchanged base first): chr5-112839486-TC-T. GRCh37 (hg19) VCF-style: chr5-112175183-TC-T.
Other names: c.3413del, p.Ser1138fs (NM_001354905.2); c.3044del, p.Ser1015fs (NM_001354906.2, NM_001407470.1); c.3977del, p.Ser1326fs (NM_001407446.1); c.3947del, p.Ser1316fs (NM_001407447.1, NM_001407448.1, NM_001407449.1 and 1 more transcripts); c.3893del, p.Ser1298fs (NM_001407450.1, NM_001127510.3, NM_001354895.2); c.3872del, p.Ser1291fs (NM_001407451.1); c.3863del, p.Ser1288fs (NM_001407452.1); c.3716del, p.Ser1239fs (NM_001407453.1, NM_001354901.2); and 11 more; short protein forms S1015fs, S1138fs, S1169fs, S1172fs, S1197fs, S1207fs, S1215fs, S1239fs.
Identifiers: ClinVar variation 2583659 (VCV002583659.2), dbSNP rs2533532521, ClinGen allele CA2582341541.

ClinVar aggregate classification (germline): Pathogenic (1 of 4 stars; one submission).

Conditions:
Familial adenomatous polyposis 1 (FAP1). Also called: POLYPOSIS, ADENOMATOUS INTESTINAL; FAMILIAL ADENOMATOUS POLYPOSIS 1, ATTENUATED. Identifiers: MedGen C2713442, MONDO:0021056, OMIM 175100. Disease mechanism: loss of function.

Submission:

Myriad Genetics, Inc.
Classification: Pathogenic for Familial adenomatous polyposis 1. Last evaluated: 2023-05-09. Review status: criteria provided, single submitter. Criteria: Myriad Autosomal Dominant, Autosomal Recessive and X-Linked Classification Criteria (2023). Collection method: clinical testing. Allele origin: unknown.
Comment: This variant is considered pathogenic. This variant creates a frameshift predicted to result in premature protein truncation.